The following is an entry in ClinVar:

ClinVar aggregate classification (germline): Uncertain significance (1 of 4 stars; one submission).

Conditions:
Juvenile polyposis syndrome (JPS). Identifiers: Orphanet 2929, MedGen C0345893, MONDO:0017380, OMIM 174900.

Submission:

Labcorp Genetics (formerly Invitae), Labcorp
Classification: Uncertain significance for Juvenile polyposis syndrome. Last evaluated: 2023-11-15. Review status: criteria provided, single submitter. Criteria: Invitae Variant Classification Sherloc (09022015). Collection method: clinical testing. Allele origin: germline.
Comment: This sequence change replaces asparagine, which is neutral and polar, with aspartic acid, which is acidic and polar, at codon 373 of the BMPR1A protein (p.Asn373Asp). This variant is not present in population databases (gnomAD no frequency). This variant has not been reported in the literature in individuals affected with BMPR1A-related conditions. Advanced modeling of protein sequence and biophysical properties (such as structural, functional, and spatial information, amino acid conservation, physicochemical variation, residue mobility, and thermodynamic stability) performed at Invitae indicates that this missense variant is not expected to disrupt BMPR1A protein function with a negative predictive value of 80%. In summary, the available evidence is currently insufficient to determine the role of this variant in disease. Therefore, it has been classified as a Variant of Uncertain Significance.

NM_004329.3(BMPR1A):c.1117A>G (p.Asn373Asp)

Gene: BMPR1A (bone morphogenetic protein receptor type 1A; plus strand). Cytogenetic location: 10q23.2.
Variant type: single nucleotide variant.
Coding change: c.1117A>G on transcript NM_004329.3 (MANE Select); coding-DNA position 1117, A replaced by G.
Protein change: p.Asn373Asp; replaces asparagine 373 with aspartic acid.
Molecular consequence: missense variant. On other transcripts: non-coding transcript variant (3).
Genome position (GRCh38, 1-based): chr10:86,919,420, A>G. VCF-style: chr10-86919420-A-G. GRCh37 (hg19) VCF-style: chr10-88679177-A-G.
Other names: c.1117A>G, p.Asn373Asp (NM_001406572.1, NM_001406573.1, NM_001406574.1 and 19 more transcripts); c.1192A>G, p.Asn398Asp (NM_001406559.1); c.1111A>G, p.Asn371Asp (NM_001406583.1); c.1033A>G, p.Asn345Asp (NM_001406584.1, NM_001406587.1, NM_001406588.1 and 2 more transcripts); c.1165A>G, p.Asn389Asp (NM_001406560.1); c.775A>G, p.Asn259Asp (NM_001406589.1); short protein forms N389D, N259D, N371D, N373D, N345D, N398D.
Identifiers: ClinVar variation 2696062 (VCV002696062.3), dbSNP rs2539622884, ClinGen allele CA377460945.